The following is an entry in ClinVar:

ClinVar aggregate classification (germline): Uncertain significance/Uncertain risk allele. Review status: criteria provided, multiple submitters, no conflicts (2 of 4 stars). 6 submissions from 6 submitters: Uncertain significance (5); Uncertain risk allele (1). Last evaluated 2025-06-18.

Conditions:
WFS1-related disorder. Identifiers: MedGen CN379391, MONDO:0700293.
Wolfram syndrome 1 (WFS1). Identifiers: Orphanet 3463, MedGen C4551693, MONDO:0009101, OMIM 222300.

Allele frequency attached by ClinVar (database versions not stated): gnomAD 0.00001; gnomAD exomes 0.00001; ExAC 0.00002; TOPMed 0.00002.
gnomAD v4.1: 23 of 1,601,800 alleles (0.0014%); highest among the groups gnomAD compares: Middle Eastern, 0.016%; no homozygotes.

Submissions (6):

Labcorp Genetics (formerly Invitae), Labcorp
Classification: Uncertain significance. Last evaluated: 2025-06-18. Review status: criteria provided, single submitter. Criteria: Invitae Variant Classification Sherloc (09022015). Collection method: clinical testing. Allele origin: germline.
Comment: This sequence change replaces aspartic acid, which is acidic and polar, with tyrosine, which is neutral and polar, at codon 128 of the WFS1 protein (p.Asp128Tyr). The frequency data for this variant in the population databases is considered unreliable, as metrics indicate poor data quality at this position in the gnomAD database. This variant has not been reported in the literature in individuals affected with WFS1-related conditions. ClinVar contains an entry for this variant (Variation ID: 1041432). Invitae Evidence Modeling of protein sequence and biophysical properties (such as structural, functional, and spatial information, amino acid conservation, physicochemical variation, residue mobility, and thermodynamic stability) has been performed for this missense variant. However, the output from this modeling did not meet the statistical confidence thresholds required to predict the impact of this variant on WFS1 protein function. In summary, the available evidence is currently insufficient to determine the role of this variant in disease. Therefore, it has been classified as a Variant of Uncertain Significance.

PreventionGenetics, part of Exact Sciences
Classification: Uncertain significance for WFS1-related condition. Last evaluated: 2024-11-06. Review status: criteria provided, single submitter. Criteria: ACMG Guidelines, 2015. Collection method: clinical testing. Allele origin: germline.
Comment: The WFS1 c.382G>T variant is predicted to result in the amino acid substitution p.Asp128Tyr. To our knowledge, this variant has not been reported in the literature. This variant is reported in 0.0020% of alleles in individuals of European (Non-Finnish) descent in gnomAD. At this time, the clinical significance of this variant is uncertain due to the absence of conclusive functional and genetic evidence.

Blueprint Genetics
Classification: Uncertain significance. Last evaluated: 2024-02-28. Review status: criteria provided, single submitter. Criteria: ACMG Guidelines, 2015. Collection method: clinical testing. Allele origin: germline.

CeGaT Center for Human Genetics Tuebingen
Classification: Uncertain significance. Last evaluated: 2023-08-01. Review status: criteria provided, single submitter. Criteria: CeGaT Center For Human Genetics Tuebingen Variant Classification Criteria Version 2. Collection method: clinical testing. Allele origin: germline. Affected: yes. Observed: 1 variant allele.
Comment: WFS1: PM5

GeneDx
Classification: Uncertain significance. Last evaluated: 2022-05-17. Review status: criteria provided, single submitter. Criteria: GeneDx Variant Classification Process June 2021. Collection method: clinical testing. Allele origin: germline. Affected: yes.
Comment: Not observed at significant frequency in large population cohorts (gnomAD); In silico analysis supports that this missense variant does not alter protein structure/function; Has not been previously published as pathogenic or benign to our knowledge

Clinical Genomics, Uppaluri K&H Personalized Medicine Clinic
Classification: Uncertain risk allele for Wolfram syndrome 1. Review status: criteria provided, single submitter. Criteria: K & H Uppaluri Personalized Medicine Clinic Variant Classification & Assertion Criteria_Updated V.1. Collection method: research. Allele origin: unknown. Inheritance: Autosomal recessive inheritance.
Comment: Potent mutations in WFS1 gene are associated with Wolfram's syndrome, an autosomal recessive condition, which cause diabetes mellitus, diabetes insipidus, deafness and optic atrophy. However no sufficient evidence is found to ascertain the role of this particular variant rs71524350 in Wolfram's syndrome yet.

Literature cited by the submitters: PubMed 20738327 (cited by Clinical Genomics, Uppaluri K&H Personalized Medicine Clinic); PubMed 33879153 (cited by Clinical Genomics, Uppaluri K&H Personalized Medicine Clinic); PubMed 12955714 (cited by Clinical Genomics, Uppaluri K&H Personalized Medicine Clinic); PubMed 18060660 (cited by Clinical Genomics, Uppaluri K&H Personalized Medicine Clinic); PubMed 20301750 (cited by Clinical Genomics, Uppaluri K&H Personalized Medicine Clinic); PubMed 17603484 (cited by Clinical Genomics, Uppaluri K&H Personalized Medicine Clinic).

NM_006005.3(WFS1):c.382G>T (p.Asp128Tyr)

Gene: WFS1 (wolframin ER transmembrane glycoprotein; plus strand). Cytogenetic location: 4p16.1.
Variant type: single nucleotide variant.
Coding change: c.382G>T on transcript NM_006005.3 (MANE Select); coding-DNA position 382, G replaced by T.
Protein change: p.Asp128Tyr; replaces aspartic acid 128 with tyrosine.
Molecular consequence: missense variant.
Genome position (GRCh38, 1-based): chr4:6,289,053, G>T. VCF-style: chr4-6289053-G-T. GRCh37 (hg19) VCF-style: chr4-6290780-G-T.
Other names: c.382G>T, p.Asp128Tyr (NM_001145853.1); short protein forms D128Y.
Identifiers: ClinVar variation 1041432 (VCV001041432.35), dbSNP rs71524350, ClinGen allele CA2838878.